The following is an entry in ClinVar:

NM_173660.5(DOK7):c.652+1dup

Gene: DOK7 (docking protein 7; plus strand). Cytogenetic location: 4p16.3.
Variant type: Duplication.
Coding change: c.652+1dup on transcript NM_173660.5 (MANE Select); the canonical splice donor site of the intron after coding-DNA position 652, one base duplicated (G; older notation c.652+1dupG).
Molecular consequence: splice donor variant.
Genome position (GRCh38, 1-based): chr4:3,485,659, G duplicated; the last of 2 consecutive G bases (chr4:3,485,658-3,485,659); duplicating either gives the same sequence. VCF-style (leftmost placement, unchanged base first): chr4-3485657-A-AG. GRCh37 (hg19) VCF-style: chr4-3487384-A-AG.
Other names: c.652+1dup (NM_001301071.2); c.220+1dup (NM_001363811.2); c.641+1dup (NM_001164673.2); c.-279+1dup (NM_001256896.2).
Identifiers: ClinVar variation 966748 (VCV000966748.8), dbSNP rs1727731607, ClinGen allele CA1139658414.

ClinVar aggregate classification (germline): Likely pathogenic (1 of 4 stars; one submission).

Conditions:
Congenital myasthenic syndrome 10. Also called: Myasthenia, limb-girdle, familial. Identifiers: Orphanet 590, MedGen C1850792, MONDO:0009690, OMIM 254300.
Fetal akinesia deformation sequence 1 (FADS1). Also called: Fetal akinesia sequence; Pena-Shokeir syndrome type I. Identifiers: Orphanet 994, MedGen C1276035, MONDO:0100101, OMIM 208150, HP:0001989.

Submission:

Labcorp Genetics (formerly Invitae), Labcorp
Classification: Likely pathogenic for Congenital myasthenic syndrome 10; Fetal akinesia deformation sequence 1. Last evaluated: 2022-06-27. Review status: criteria provided, single submitter. Criteria: Invitae Variant Classification Sherloc (09022015). Collection method: clinical testing. Allele origin: germline.
Comment: This sequence change affects a donor splice site in intron 5 of the DOK7 gene. It is expected to disrupt RNA splicing. Variants that disrupt the donor or acceptor splice site typically lead to a loss of protein function (PMID: 16199547), and loss-of-function variants in DOK7 are known to be pathogenic (PMID: 16794080, 16917026, 18626973, 19261599). In summary, the currently available evidence indicates that the variant is pathogenic, but additional data are needed to prove that conclusively. Therefore, this variant has been classified as Likely Pathogenic. Algorithms developed to predict the effect of sequence changes on RNA splicing suggest that this variant may disrupt the consensus splice site. ClinVar contains an entry for this variant (Variation ID: 966748). This variant has not been reported in the literature in individuals affected with DOK7-related conditions. This variant is not present in population databases (gnomAD no frequency).

Literature cited by the submitters: PubMed 16199547; PubMed 16794080; PubMed 16917026; PubMed 18626973; PubMed 19261599.